The following is an entry in ClinVar:

ClinVar aggregate classification (germline): Uncertain significance (1 of 4 stars; one submission).

gnomAD v4.1: 12 of 1,613,982 alleles (0.00074%); highest among the groups gnomAD compares: Admixed American, 0.02%; no homozygotes.

Submission:

Labcorp Genetics (formerly Invitae), Labcorp
Classification: Uncertain significance. Last evaluated: 2022-08-15. Review status: criteria provided, single submitter. Criteria: Invitae Variant Classification Sherloc (09022015). Collection method: clinical testing. Allele origin: germline.
Comment: This sequence change replaces arginine, which is basic and polar, with leucine, which is neutral and non-polar, at codon 1868 of the CDK5RAP2 protein (p.Arg1868Leu). This variant is present in population databases (rs752717425, gnomAD 0.03%). This variant has not been reported in the literature in individuals affected with CDK5RAP2-related conditions. Algorithms developed to predict the effect of missense changes on protein structure and function (SIFT, PolyPhen-2, Align-GVGD) all suggest that this variant is likely to be disruptive. In summary, the available evidence is currently insufficient to determine the role of this variant in disease. Therefore, it has been classified as a Variant of Uncertain Significance.

NM_018249.6(CDK5RAP2):c.5603G>T (p.Arg1868Leu)

Gene: CDK5RAP2 (CDK5 regulatory subunit associated protein 2; minus strand). Cytogenetic location: 9q33.2.
Variant type: single nucleotide variant.
Coding change: c.5603G>T on transcript NM_018249.6 (MANE Select); coding-DNA position 5603, G replaced by T.
Protein change: p.Arg1868Leu; replaces arginine 1868 with leucine.
Molecular consequence: missense variant. On other transcripts: non-coding transcript variant (5).
Genome position (GRCh38, 1-based): chr9:120,389,763, C>A on the plus strand (G>T on the coding strand, the complement: CDK5RAP2 is on the minus strand). VCF-style: chr9-120389763-C-A. GRCh37 (hg19) VCF-style: chr9-123152041-C-A.
Other names: c.5366G>T, p.Arg1789Leu (NM_001011649.3); c.4913G>T, p.Arg1638Leu (NM_001272039.2); c.5504G>T, p.Arg1835Leu (NM_001410992.1); c.5507G>T, p.Arg1836Leu (NM_001410993.1); c.5600G>T, p.Arg1867Leu (NM_001410994.1); short protein forms R1638L, R1835L, R1867L, R1789L, R1836L, R1868L.
Identifiers: ClinVar variation 2054822 (VCV002054822.1), dbSNP rs752717425, ClinGen allele CA5213214.